The following is an entry in ClinVar:

ClinVar aggregate classification (germline): Likely benign. Review status: criteria provided, multiple submitters, no conflicts (2 of 4 stars). 3 submissions from 3 submitters: Likely benign (2). 1 of the submissions does not count toward it. Last evaluated 2026-01-08.

Conditions:
DMXL2-related disorder. Also called: DMXL2-related condition.

Allele frequency attached by ClinVar (database versions not stated): gnomAD exomes 0.00006 and 0.00007; ExAC 0.00007; ESP Exome Variant Server 0.00008; 1000 Genomes Project 0.00020; gnomAD 0.00021 and 0.00026; 1000 Genomes Project 30x 0.00031; TOPMed 0.00045.
gnomAD v4.1: 134 of 1,613,958 alleles (0.0083%); highest among the groups gnomAD compares: African/African-American, 0.071%; no homozygotes.

Submissions (3):

Labcorp Genetics (formerly Invitae), Labcorp
Classification: Likely benign. Last evaluated: 2026-01-08. Review status: criteria provided, single submitter. Criteria: Invitae Variant Classification Sherloc (09022015). Collection method: clinical testing. Allele origin: germline.

Blueprint Genetics
Classification: Likely benign. Last evaluated: 2024-11-13. Review status: criteria provided, single submitter. Criteria: ACMG Guidelines, 2015. Collection method: clinical testing. Allele origin: germline.

PreventionGenetics, part of Exact Sciences
Classification: Likely benign for DMXL2-related condition. Last evaluated: 2024-03-29. Review status: no assertion criteria provided. Collection method: clinical testing. Allele origin: germline. Not counted in ClinVar's aggregate classification.
Comment: This variant is classified as likely benign based on ACMG/AMP sequence variant interpretation guidelines (Richards et al. 2015 PMID: 25741868, with internal and published modifications).

NM_001378457.1(DMXL2):c.1731G>A (p.Thr577=)

Gene: DMXL2 (Dmx like 2; minus strand). Cytogenetic location: 15q21.2.
Variant type: single nucleotide variant.
Coding change: c.1731G>A on transcript NM_001378457.1 (MANE Select); coding-DNA position 1731, G replaced by A.
Protein change: p.Thr577=; no amino-acid change (threonine 577 retained).
Molecular consequence: synonymous variant. On other transcripts: non-coding transcript variant (2).
Genome position (GRCh38, 1-based): chr15:51,536,749, C>T on the plus strand (G>A on the coding strand, the complement: DMXL2 is on the minus strand). VCF-style: chr15-51536749-C-T. GRCh37 (hg19) VCF-style: chr15-51828946-C-T.
Other names: c.1731G>A, p.Thr577= (NM_001174116.3, NM_001174117.3, NM_001378458.1 and 6 more transcripts); c.1491G>A, p.Thr497= (NM_001378464.1).
Identifiers: ClinVar variation 789643 (VCV000789643.12), dbSNP rs148694560, ClinGen allele CA7562515.